The following is an entry in ClinVar:

NM_006947.4(SRP72):c.1380T>C (p.Tyr460=)

Gene: SRP72 (signal recognition particle 72; plus strand). Cytogenetic location: 4q12.
Variant type: single nucleotide variant.
Coding change: c.1380T>C on transcript NM_006947.4 (MANE Select); coding-DNA position 1380, T replaced by C.
Protein change: p.Tyr460=; no amino-acid change (tyrosine 460 retained).
Molecular consequence: synonymous variant. On other transcripts: non-coding transcript variant (1).
Genome position (GRCh38, 1-based): chr4:56,490,392, T>C. VCF-style: chr4-56490392-T-C. GRCh37 (hg19) VCF-style: chr4-57356558-T-C.
Other names: c.1197T>C, p.Tyr399= (NM_001267722.2).
Identifiers: ClinVar variation 349127 (VCV000349127.20), dbSNP rs73818109, ClinGen allele CA2931346.

ClinVar aggregate classification (germline): Benign/Likely benign. Review status: criteria provided, multiple submitters, no conflicts (2 of 4 stars). 5 submissions from 5 submitters: Benign (3); Likely benign (2). Last evaluated 2026-01-25.

Conditions:
Autosomal dominant aplasia and myelodysplasia. Also called: Bone marrow failure syndrome 1. Identifiers: Orphanet 314399, MedGen C3808553, MONDO:0013851, OMIM 614675.

Allele frequency attached by ClinVar (database versions not stated): gnomAD exomes 0.00114 and 0.00232; ExAC 0.00265; gnomAD 0.00638 and 0.00682; 1000 Genomes Project 0.00719; TOPMed 0.00731; 1000 Genomes Project 30x 0.00750; ESP Exome Variant Server 0.00815.
gnomAD v4.1: 2,745 of 1,614,046 alleles (0.17%); highest among the groups gnomAD compares: African/African-American, 2.1%; 19 homozygotes.

Submissions (5):

Labcorp Genetics (formerly Invitae), Labcorp
Classification: Benign. Last evaluated: 2026-01-25. Review status: criteria provided, single submitter. Criteria: Invitae Variant Classification Sherloc (09022015). Collection method: clinical testing. Allele origin: germline.

ARUP Laboratories, Molecular Genetics and Genomics, ARUP Laboratories
Classification: Benign for Autosomal dominant aplasia and myelodysplasia. Last evaluated: 2025-04-16. Review status: criteria provided, single submitter. Criteria: ARUP Molecular Germline Variant Investigation Process 2024. Collection method: clinical testing. Allele origin: germline.

Ambry Genetics
Classification: Likely benign. Last evaluated: 2024-10-02. Review status: criteria provided, single submitter. Criteria: Ambry Variant Classification Scheme 2023. Collection method: clinical testing. Allele origin: germline.

GeneDx
Classification: Likely benign. Last evaluated: 2020-08-09. Review status: criteria provided, single submitter. Criteria: GeneDx Variant Classification Process June 2021. Collection method: clinical testing. Allele origin: germline. Affected: yes.

Illumina Laboratory Services, Illumina
Classification: Benign for Autosomal dominant aplasia and myelodysplasia. Last evaluated: 2018-01-13. Review status: criteria provided, single submitter. Criteria: ICSL Variant Classification Criteria 13 December 2019. Collection method: clinical testing. Allele origin: germline.
Comment: This variant was observed in the ICSL laboratory as part of a predisposition screen in an ostensibly healthy population. It had not been previously curated by ICSL or reported in the Human Gene Mutation Database (HGMD: prior to June 1st, 2018), and was therefore a candidate for classification through an automated scoring system. Utilizing variant allele frequency, disease prevalence and penetrance estimates, and inheritance mode, an automated score was calculated to assess if this variant is too frequent to cause the disease. Based on the score and internal cut-off values, a variant classified as benign is not then subjected to further curation. The score for this variant resulted in a classification of benign for this disease.